The following is an entry in ClinVar:

ClinVar aggregate classification (germline): Uncertain significance (1 of 4 stars; one submission).

Allele frequency attached by ClinVar (database versions not stated): TOPMed below 0.00001; ExAC 0.00001; gnomAD 0.00001; gnomAD exomes 0.00001.
gnomAD v4.1: 20 of 1,483,864 alleles (0.0013%); highest among the groups gnomAD compares: Admixed American, 0.0019%; no homozygotes.

Submission:

Women's Health and Genetics/Laboratory Corporation of America, LabCorp
Classification: Uncertain significance. Last evaluated: 2023-06-05. Review status: criteria provided, single submitter. Criteria: LabCorp Variant Classification Summary - May 2015. Collection method: clinical testing. Allele origin: germline.
Comment: Variant summary: EPS8L2 c.1342-19T>C alters a non-conserved nucleotide located close to a canonical splice site and therefore could affect mRNA splicing, leading to a significantly altered protein sequence. 4/4 computational tools predict no significant impact on normal splicing. However, these predictions have yet to be confirmed by functional studies. The variant allele was found at a frequency of 4.5e-06 in 221020 control chromosomes (gnomAD). The available data on variant occurrences in the general population are insufficient to allow any conclusion about variant significance. To our knowledge, no occurrence of c.1342-19T>C in individuals affected with Hearing Loss, Autosomal Recessive 106 and no experimental evidence demonstrating its impact on protein function have been reported. No clinical diagnostic laboratories have submitted clinical-significance assessments for this variant to ClinVar after 2014. Based on the evidence outlined above, the variant was classified as uncertain significance.

NM_022772.4(EPS8L2):c.1342-19T>C

Gene: EPS8L2 (EPS8 signaling adaptor L2; plus strand). Cytogenetic location: 11p15.5.
Variant type: single nucleotide variant.
Coding change: c.1342-19T>C on transcript NM_022772.4 (MANE Select); 19 bases into the intron before coding-DNA position 1342, T replaced by C.
Molecular consequence: intron variant.
Genome position (GRCh38, 1-based): chr11:723,222, T>C. VCF-style: chr11-723222-T-C. GRCh37 (hg19) VCF-style: chr11-723222-T-C.
Identifiers: ClinVar variation 2573611 (VCV002573611.1), dbSNP rs745485460, ClinGen allele CA5787603.